The following is an entry in ClinVar:

NM_033395.2(CEP295):c.7582C>T (p.Arg2528Cys)

Gene: CEP295 (centrosomal protein 295; plus strand). Cytogenetic location: 11q21.
Variant type: single nucleotide variant.
Coding change: c.7582C>T on transcript NM_033395.2 (MANE Select); coding-DNA position 7582, C replaced by T.
Protein change: p.Arg2528Cys; replaces arginine 2528 with cysteine.
Molecular consequence: missense variant.
Genome position (GRCh38, 1-based): chr11:93,729,884, C>T. VCF-style: chr11-93729884-C-T. GRCh37 (hg19) VCF-style: chr11-93463050-C-T.
Other names: short protein forms R2528C.
Identifiers: ClinVar variation 4885680 (VCV004885680.2).
Genomic context (GRCh38, chr11:93,729,884, plus strand): 5'-TTTAAAGCCTTGTGTTTACAACTTGATTTCACTTTTCTTTCCTCAGGTTCATCTGTGAGT[C>T]GTCTAAAGGGCGTGAATAAAGTCAGAGCATCTTTTCCTGAAGACAGAAAGACTACACAGG-3'
Protein context (NP_203753.1, residues 2518-2538): EKPSISSSVS[Arg2528Cys]LKGVNKVRAS

ClinVar aggregate classification (germline): Uncertain significance (1 of 4 stars; one submission).

gnomAD v4.1: 31 of 1,547,840 alleles (0.002%); highest among the groups gnomAD compares: African/African-American, 0.014%; no homozygotes.

Submission:

Dasa
Classification: Uncertain significance. Last evaluated: 2025-01-10. Review status: criteria provided, single submitter. Criteria: DASA Assertion Criteria. Collection method: clinical testing. Allele origin: germline.
Comment: NM_033395.2(CEP295):c.7582C>T (p.Arg2528Cys) is a missense variant that results in the substitution of arginine with cysteine. This variant is rare in population databases. Computational prediction algorithms are consistent with a benign effect. The currently available literature and clinical evidence are not sufficient to establish a definitive association between this variant and the reported condition. Therefore, this variant is classified as a variant of uncertain significance.